The following is an entry in ClinVar:

NM_006208.3(ENPP1):c.*3837T>C

Gene: ENPP1 (ectonucleotide pyrophosphatase/phosphodiesterase 1; plus strand). Cytogenetic location: 6q23.2.
Variant type: single nucleotide variant.
Coding change: c.*3837T>C on transcript NM_006208.3 (MANE Select); 3837 bases downstream of the stop codon, T replaced by C.
Molecular consequence: 3 prime UTR variant.
Genome position (GRCh38, 1-based): chr6:131,894,348, T>C. VCF-style: chr6-131894348-T-C. GRCh37 (hg19) VCF-style: chr6-132215488-T-C.
Identifiers: ClinVar variation 355426 (VCV000355426.5), dbSNP rs55725924, ClinGen allele CA10621452.

ClinVar aggregate classification (germline): Benign. Review status: criteria provided, single submitter (1 of 4 stars). 2 submissions from 1 submitter: Benign (2). Last evaluated 2018-01-13.

Conditions:
Hypophosphatemic rickets, autosomal recessive, 2 (ARHR2). Identifiers: Orphanet 289176, MedGen C2750078, MONDO:0013219, OMIM 613312.
Arterial calcification, generalized, of infancy, 1 (GACI1). Also called: Idiopathic Infantile Arterial Calcification. Identifiers: Orphanet 51608, MedGen C4551985, MONDO:0008817, OMIM 208000.

Allele frequency attached by ClinVar (database versions not stated): gnomAD exomes 0.07418; gnomAD 0.16101 and 0.16400; TOPMed 0.17854; 1000 Genomes Project 0.20946; 1000 Genomes Project 30x 0.21690.
gnomAD v4.1: 24,119 of 150,220 alleles (16%); highest among the groups gnomAD compares: African/African-American, 39%; 3,555 homozygotes.

Submissions (2):

Illumina Laboratory Services, Illumina
Classification: Benign for Hypophosphatemic rickets, autosomal recessive, 2. Last evaluated: 2018-01-13. Review status: criteria provided, single submitter. Criteria: ICSL Variant Classification Criteria 13 December 2019. Collection method: clinical testing. Allele origin: germline.
Comment: This variant was observed in the ICSL laboratory as part of a predisposition screen in an ostensibly healthy population. It had not been previously curated by ICSL or reported in the Human Gene Mutation Database (HGMD: prior to June 1st, 2018), and was therefore a candidate for classification through an automated scoring system. Utilizing variant allele frequency, disease prevalence and penetrance estimates, and inheritance mode, an automated score was calculated to assess if this variant is too frequent to cause the disease. Based on the score and internal cut-off values, a variant classified as benign is not then subjected to further curation. The score for this variant resulted in a classification of benign for this disease.

Illumina Laboratory Services, Illumina
Classification: Benign for Arterial calcification, generalized, of infancy, 1. Last evaluated: 2018-01-13. Review status: criteria provided, single submitter. Criteria: ICSL Variant Classification Criteria 13 December 2019. Collection method: clinical testing. Allele origin: germline.
Comment: the same text as in the submission from Illumina Laboratory Services, Illumina above.